The following is an entry in ClinVar:

ClinVar aggregate classification (germline): Likely benign. Review status: criteria provided, multiple submitters, no conflicts (2 of 4 stars). 7 submissions from 7 submitters: Likely benign (6). 1 of the submissions does not count toward it. Last evaluated 2026-01-25.

Conditions:
TTN-related disorder. Also called: TTN-related disorders; TTN-related condition; TTN-related disease.
Cardiovascular phenotype. Identifiers: MedGen CN230736.
Dilated cardiomyopathy 1G (CMD1G). Identifiers: Orphanet 154, MedGen C1858763, MONDO:0011400, OMIM 604145.
Autosomal recessive limb-girdle muscular dystrophy type 2J (LGMDR10). Also called: Limb-girdle muscular dystrophy, type 2J; MUSCULAR DYSTROPHY, LIMB-GIRDLE, AUTOSOMAL RECESSIVE 10. Identifiers: Orphanet 140922, MedGen C1837342, MONDO:0012127, OMIM 608807.

Allele frequency attached by ClinVar (database versions not stated): gnomAD exomes 0.00007 and 0.00016; ExAC 0.00021; ESP Exome Variant Server 0.00056; gnomAD 0.00070 and 0.00073; TOPMed 0.00077; 1000 Genomes Project 0.00100; 1000 Genomes Project 30x 0.00141.
gnomAD v4.1: 205 of 1,607,786 alleles (0.013%); highest among the groups gnomAD compares: African/African-American, 0.26%; 1 homozygote.

Submissions (7):

Labcorp Genetics (formerly Invitae), Labcorp
Classification: Likely benign for Dilated cardiomyopathy 1G; Autosomal recessive limb-girdle muscular dystrophy type 2J. Last evaluated: 2026-01-25. Review status: criteria provided, single submitter. Criteria: Invitae Variant Classification Sherloc (09022015). Collection method: clinical testing. Allele origin: germline.

Women's Health and Genetics/Laboratory Corporation of America, LabCorp
Classification: Likely benign. Last evaluated: 2024-12-20. Review status: criteria provided, single submitter. Criteria: LabCorp Variant Classification Summary - May 2015. Collection method: clinical testing. Allele origin: germline.
Comment: Variant summary: TTN c.78730A>G (p.Ile26244Val) results in a conservative amino acid change located in the A-band region of the encoded protein sequence. Three of five in-silico tools predict a benign effect of the variant on protein function. The variant allele was found at a frequency of 0.00016 in 242486 control chromosomes, predominantly at a frequency of 0.0025 within the African or African-American subpopulation in the gnomAD database. The observed variant frequency within African or African-American control individuals in the gnomAD database is approximately 6.4 fold of the estimated maximal expected allele frequency for a pathogenic variant in TTN causing Dilated Cardiomyopathy phenotype (0.00039). To our knowledge, no occurrence of c.78730A>G in individuals affected with Dilated Cardiomyopathy and no experimental evidence demonstrating its impact on protein function have been reported. ClinVar contains an entry for this variant (Variation ID: 192148). Based on the evidence outlined above, the variant was classified as likely benign.

GeneDx
Classification: Likely benign. Last evaluated: 2021-04-27. Review status: criteria provided, single submitter. Criteria: GeneDx Variant Classification Process June 2021. Collection method: clinical testing. Allele origin: germline. Affected: yes.

Ambry Genetics
Classification: Likely benign for Cardiovascular phenotype. Last evaluated: 2018-01-04. Review status: criteria provided, single submitter. Criteria: Ambry Variant Classification Scheme 2023. Collection method: clinical testing. Allele origin: germline.

Eurofins Ntd Llc (ga)
Classification: Likely benign. Last evaluated: 2015-03-20. Review status: criteria provided, single submitter. Criteria: EGL Classification Definitions 2015. Collection method: clinical testing. Allele origin: germline. Observed: 1 variant allele, 1 heterozygote.

Biesecker Lab/Clinical Genomics Section, National Institutes of Health
Classification: Likely benign. Last evaluated: 2013-06-24. Review status: criteria provided, single submitter. Criteria: Ng et al. (Circ Cardiovasc Genet. 2013). Collection method: research. Allele origin: unknown. Observed: 1 variant allele. Study: ClinSeq.
Comment: The study set was not selected for affection status in relation to any cancer. Pathogenicity categories were based on literature curation. See Pubmed ID:23861362 for details.

Medical sequencing

PreventionGenetics, part of Exact Sciences
Classification: Likely benign for TTN-related condition. Last evaluated: 2024-06-27. Review status: no assertion criteria provided. Collection method: clinical testing. Allele origin: germline. Not counted in ClinVar's aggregate classification.
Comment: This variant is classified as likely benign based on ACMG/AMP sequence variant interpretation guidelines (Richards et al. 2015 PMID: 25741868, with internal and published modifications).

Literature cited by the submitters: PubMed 23861362 (cited by Ambry Genetics).

NM_001267550.2(TTN):c.86434A>G (p.Ile28812Val)

Genes: TTN (titin; minus strand), TTN-AS1 (TTN antisense RNA 1; plus strand). Cytogenetic location: 2q31.2.
Variant type: single nucleotide variant.
Coding change: c.86434A>G on transcript NM_001267550.2 (MANE Select); coding-DNA position 86434, A replaced by G.
Protein change: p.Ile28812Val; replaces isoleucine 28812 with valine.
Molecular consequence: missense variant.
Genome position (GRCh38, 1-based): chr2:178,559,698, T>C on the plus strand (A>G on the coding strand, the complement: TTN is on the minus strand). VCF-style: chr2-178559698-T-C. GRCh37 (hg19) VCF-style: chr2-179424425-T-C.
Other names: p.I27171V:ATT>GTT; c.81511A>G, p.Ile27171Val (NM_001256850.1); c.59239A>G, p.Ile19747Val (NM_003319.4); c.78730A>G, p.Ile26244Val (NM_133378.4); c.59614A>G, p.Ile19872Val (NM_133432.3); c.59815A>G, p.Ile19939Val (NM_133437.4); short protein forms I26244V, I28812V, I27171V, I19747V, I19872V, I19939V.
Identifiers: ClinVar variation 192148 (VCV000192148.21), dbSNP rs201918596, ClinGen allele CA202121.